The following is an entry in ClinVar:

NM_000238.4(KCNH2):c.640G>A (p.Glu214Lys)

Gene: KCNH2 (potassium voltage-gated channel subfamily H member 2; minus strand). Cytogenetic location: 7q36.1.
Variant type: single nucleotide variant.
Coding change: c.640G>A on transcript NM_000238.4 (MANE Select); coding-DNA position 640, G replaced by A.
Protein change: p.Glu214Lys; replaces glutamic acid 214 with lysine.
Molecular consequence: missense variant.
Genome position (GRCh38, 1-based): chr7:150,958,335, C>T on the plus strand (G>A on the coding strand, the complement: KCNH2 is on the minus strand). VCF-style: chr7-150958335-C-T. GRCh37 (hg19) VCF-style: chr7-150655423-C-T.
Other names: c.352G>A, p.Glu118Lys (NM_001406753.1, NM_001406756.1); c.463G>A, p.Glu155Lys (NM_001406755.1); c.340G>A, p.Glu114Lys (NM_001406757.1); c.640G>A, p.Glu214Lys (NM_172056.3); short protein forms E214K, E118K, E155K, E114K.
Identifiers: ClinVar variation 1524417 (VCV001524417.4), dbSNP rs764251922, ClinGen allele CA040168.

ClinVar aggregate classification (germline): Uncertain significance (1 of 4 stars; one submission).

Conditions:
Long QT syndrome (LQTS). Identifiers: MedGen C0023976, MeSH D008133, MONDO:0002442. Disease mechanism: loss of function. Inheritance: Various modes of inheritance.

Allele frequency attached by ClinVar (database versions not stated): gnomAD exomes below 0.00001; TOPMed below 0.00001; gnomAD 0.00001; ExAC 0.00008.
gnomAD v4.1: 7 of 1,488,898 alleles (0.00047%); highest among the groups gnomAD compares: Non-Finnish European, 0.00062%; no homozygotes.

Submission:

Labcorp Genetics (formerly Invitae), Labcorp
Classification: Uncertain significance for Long QT syndrome. Last evaluated: 2021-11-09. Review status: criteria provided, single submitter. Criteria: Invitae Variant Classification Sherloc (09022015). Collection method: clinical testing. Allele origin: germline.
Comment: This sequence change replaces glutamic acid, which is acidic and polar, with lysine, which is basic and polar, at codon 214 of the KCNH2 protein (p.Glu214Lys). The frequency data for this variant in the population databases is considered unreliable, as metrics indicate poor data quality at this position in the gnomAD database. This variant has not been reported in the literature in individuals affected with KCNH2-related conditions. Algorithms developed to predict the effect of missense changes on protein structure and function (SIFT, PolyPhen-2, Align-GVGD) all suggest that this variant is likely to be tolerated. In summary, the available evidence is currently insufficient to determine the role of this variant in disease. Therefore, it has been classified as a Variant of Uncertain Significance.